The following is an entry in ClinVar:

ClinVar aggregate classification (germline): Likely benign (1 of 4 stars; one submission).

Conditions:
Autosomal dominant limb-girdle muscular dystrophy type 1F (LGMDD2). Also called: MUSCULAR DYSTROPHY, LIMB-GIRDLE, AUTOSOMAL DOMINANT 2; Limb-girdle muscular dystrophy, type 1F. Identifiers: Orphanet 55595, MedGen C1842062, MONDO:0012034, OMIM 608423.

Submission:

Centre for Medical Genetics,  Mumbai
Classification: Likely benign for Autosomal dominant limb-girdle muscular dystrophy type 1F. Last evaluated: 2026-02-17. Review status: criteria provided, single submitter. Criteria: ACMG Guidelines, 2015. Collection method: provider interpretation. Allele origin: germline. Inheritance: Autosomal dominant inheritance. Affected: no. Observed: 1 heterozygote.
Comment: The variant satisfies PM2 criteria; Extremely low frequency in gnomAD population databases. The variant satisfies PP2 criteria; Missense variant in a gene with low rate of benign missense mutations and for which missense mutation is a common mechanism of a disease. The variant satisfies BP4 criteria; For a missense or a splice region variant, computational prediction tools unanimously support a benign effect on the gene. However, the variant satisfies BS2 criteria.

Literature cited by the submitters: PubMed 23543484.

NM_012470.4(TNPO3):c.2473G>A (p.Val825Met)

Gene: TNPO3 (transportin 3; minus strand). Cytogenetic location: 7q32.1.
Variant type: single nucleotide variant.
Coding change: c.2473G>A on transcript NM_012470.4 (MANE Select); coding-DNA position 2473, G replaced by A.
Protein change: p.Val825Met; replaces valine 825 with methionine.
Molecular consequence: missense variant. On other transcripts: non-coding transcript variant (18).
Genome position (GRCh38, 1-based): chr7:128,970,273, C>T on the plus strand (G>A on the coding strand, the complement: TNPO3 is on the minus strand). VCF-style: chr7-128970273-C-T. GRCh37 (hg19) VCF-style: chr7-128610327-C-T.
Other names: c.2281G>A, p.Val761Met (NM_001191028.3, NM_001382223.1); c.2575G>A, p.Val859Met (NM_001382216.1); c.2554G>A, p.Val852Met (NM_001382217.1); c.2473G>A, p.Val825Met (NM_001382218.1); c.2365G>A, p.Val789Met (NM_001382219.1); c.2332G>A, p.Val778Met (NM_001382220.1); c.2329G>A, p.Val777Met (NM_001382221.1); c.2326G>A, p.Val776Met (NM_001382222.1); short protein forms V825M, V859M, V776M, V778M, V789M, V761M, V777M, V852M.
Identifiers: ClinVar variation 4795845 (VCV004795845.1).